The following is an entry in ClinVar:

ClinVar aggregate classification (germline): Uncertain significance. Review status: criteria provided, multiple submitters, no conflicts (2 of 4 stars). 2 submissions from 2 submitters: Uncertain significance (2). Last evaluated 2026-08-27.

Conditions:
SEMA3E-related disorder. Also called: SEMA3E-related condition.
CHARGE syndrome (CHARGE). Also called: Hittner Hirsch Kreh syndrome; CHARGE ASSOCIATION--COLOBOMA, HEART ANOMALY, CHOANAL ATRESIA, RETARDATION, GENITAL AND EAR ANOMALIES; Coloboma, heart anomaly, choanal atresia, retardation, genital and ear anomalies; CHARGE association; Hall-Hittner syndrome. Identifiers: Orphanet 138, MedGen C0265354, MONDO:0008965.

gnomAD v4.1: 2 of 1,602,792 alleles (0.00012%); highest among the groups gnomAD compares: Admixed American, 0.0033%; no homozygotes.

Submissions (2):

PreventionGenetics, part of Exact Sciences
Classification: Uncertain significance for SEMA3E-related condition. Last evaluated: 2026-08-27. Review status: criteria provided, single submitter. Criteria: ACMG Guidelines, 2015. Collection method: clinical testing. Allele origin: germline.
Comment: The SEMA3E c.110A>G variant is predicted to result in the amino acid substitution p.His37Arg. To our knowledge, this variant has not been reported in the literature. This variant is reported in 0.0058% of alleles in individuals of Latino descent in gnomAD. At this time, the clinical significance of this variant is uncertain due to the absence of conclusive functional and genetic evidence.

Labcorp Genetics (formerly Invitae), Labcorp
Classification: Uncertain significance for CHARGE syndrome. Last evaluated: 2024-03-24. Review status: criteria provided, single submitter. Criteria: Invitae Variant Classification Sherloc (09022015). Collection method: clinical testing. Allele origin: germline.
Comment: This sequence change replaces histidine, which is basic and polar, with arginine, which is basic and polar, at codon 37 of the SEMA3E protein (p.His37Arg). This variant is present in population databases (rs771244074, gnomAD 0.006%). This variant has not been reported in the literature in individuals affected with SEMA3E-related conditions. An algorithm developed to predict the effect of missense changes on protein structure and function (PolyPhen-2) suggests that this variant is likely to be tolerated. In summary, the available evidence is currently insufficient to determine the role of this variant in disease. Therefore, it has been classified as a Variant of Uncertain Significance.

NM_012431.3(SEMA3E):c.110A>G (p.His37Arg)

Gene: SEMA3E (semaphorin 3E; minus strand). Cytogenetic location: 7q21.11.
Variant type: single nucleotide variant.
Coding change: c.110A>G on transcript NM_012431.3 (MANE Select); coding-DNA position 110, A replaced by G.
Protein change: p.His37Arg; replaces histidine 37 with arginine.
Molecular consequence: missense variant.
Genome position (GRCh38, 1-based): chr7:83,648,433, T>C on the plus strand (A>G on the coding strand, the complement: SEMA3E is on the minus strand). VCF-style: chr7-83648433-T-C. GRCh37 (hg19) VCF-style: chr7-83277749-T-C.
Other names: c.110A>G (NM_012431.2); short protein forms H37R.
Identifiers: ClinVar variation 3703493 (VCV003703493.3).